The following is an entry in ClinVar:

NM_001009944.3(PKD1):c.12701_12702del (p.Glu4234fs)

Gene: PKD1 (polycystin 1, transient receptor potential channel interacting; minus strand). Cytogenetic location: 16p13.3.
Variant type: Microsatellite.
Coding change: c.12701_12702del on transcript NM_001009944.3 (MANE Select); coding-DNA positions 12701 to 12702, 2 bases deleted (AG; older notation c.12701_12702delAG).
Protein change: p.Glu4234fs; shifts the reading frame from glutamic acid 4234.
Molecular consequence: frameshift variant.
Genome position (GRCh38, 1-based): chr16:2,089,937-2,089,938, CT deleted on the plus strand (AG on the coding strand, the reverse complement: PKD1 is on the minus strand); deleting any 2 consecutive bases within chr16:2,089,937-2,089,940 gives the same sequence; the c. name uses the placement nearest the transcript's 3' end. VCF-style (leftmost placement, unchanged base first): chr16-2089936-CCT-C. GRCh37 (hg19) VCF-style: chr16-2139937-CCT-C.
Other names: c.12698_12699del, p.Glu4233fs (NM_000296.4); short protein forms E4234fs, E4233fs.
Identifiers: ClinVar variation 636785 (VCV000636785.4), dbSNP rs1596471547, ClinGen allele CA915948972.

ClinVar aggregate classification (germline): Conflicting classifications of pathogenicity. Review status: criteria provided, conflicting classifications (1 of 4 stars). 3 submissions from 3 submitters: Likely pathogenic (2); Uncertain significance (1). Last evaluated 2023-10-05.

Conditions:
PKD1-related disorder. Also called: PKD1-related condition.
Polycystic kidney disease, adult type (PKD1). Also called: Polycystic Kidney Disease 1, Autosomal Dominant; Polycystic kidney disease 1; Polycystic kidney disease 1, severe; POLYCYSTIC KIDNEY DISEASE, ADULT, TYPE I; POLYCYSTIC KIDNEY DISEASE 1 WITH OR WITHOUT POLYCYSTIC LIVER DISEASE; Polycystic Kidney, Autosomal Dominant. Identifiers: MedGen C3149841, MONDO:0008263, OMIM 173900.

Submissions (3):

Department of Pathology and Laboratory Medicine, Sinai Health System
Classification: Uncertain significance for Polycystic kidney disease, adult type. Last evaluated: 2023-10-05. Review status: criteria provided, single submitter. Criteria: ACMG Guidelines, 2015. Collection method: clinical testing. Allele origin: germline. Affected: yes.

Blueprint Genetics
Classification: Likely pathogenic for PKD1-related disorders. Last evaluated: 2018-09-04. Review status: criteria provided, single submitter. Criteria: ACMG Guidelines, 2015. Collection method: clinical testing. Allele origin: germline. Affected: yes. Observed: 1 variant allele.

Juno Genomics, Hangzhou Juno Genomics, Inc
Classification: Likely pathogenic for Polycystic kidney disease, adult type. Review status: criteria provided, single submitter. Criteria: ACMG Guidelines, 2015. Collection method: clinical testing. Allele origin: germline. Affected: yes.
Comment: Absent from controls (or at extremely low frequency if recessive) in Genome Aggregation Database.;Protein length changes due to in-frame deletions/insertions in a non-repeat region or stop-loss variants.;The prevalence of the variant in affected individuals is significantly increased compared to the prevalence in controls.;Patient's phenotype or family history is highly specific for a disease with a single genetic etiology.;Co-segregation with disease in multiple affected family members.